The following is an entry in ClinVar:

ClinVar aggregate classification (germline): Likely benign. Review status: criteria provided, single submitter (1 of 4 stars). 2 submissions from 2 submitters: Likely benign (1). 1 of the submissions does not count toward it. Last evaluated 2025-09-15.

Conditions:
Epidermolysis bullosa simplex 5C, with pyloric atresia (EBS5C). Also called: PLEC-Related Epidermolysis Bullosa with Pyloric Atresia; Epidermolysis bullosa simplex with pyloric atresia; PLEC1-Related Epidermolysis Bullosa with Pyloric Atresia. Identifiers: Orphanet 158684, MedGen C2677349, MONDO:0012807, OMIM 612138.
Epidermolysis bullosa simplex with nail dystrophy (EBS5D). Identifiers: MedGen C4225309, MONDO:0014661, OMIM 616487.
Epidermolysis bullosa simplex 5B, with muscular dystrophy (EBS5B). Also called: Epidermolysis bullosa simplex with muscular dystrophy; EPIDERMOLYSIS BULLOSA SIMPLEX AND LIMB-GIRDLE MUSCULAR DYSTROPHY. Identifiers: Orphanet 257, MedGen C2931072, MONDO:0009181, OMIM 226670.
Epidermolysis bullosa simplex, Ogna type (EBS5A). Also called: Pidermolysis bullosa simplex 5A, Ogna type; EPIDERMOLYSIS BULLOSA SIMPLEX 5A, OGNA TYPE. Identifiers: Orphanet 79401, MedGen C0432317, MONDO:0007555, OMIM 131950.
Autosomal recessive limb-girdle muscular dystrophy type 2Q (LGMDR17). Also called: MUSCULAR DYSTROPHY, LIMB-GIRDLE, AUTOSOMAL RECESSIVE 17. Identifiers: Orphanet 254361, MedGen C3150989, MONDO:0013390, OMIM 613723.
PLEC-related disorder. Also called: PLEC-related condition; PLEC-related disorders.

Allele frequency attached by ClinVar (database versions not stated): gnomAD exomes 0.00001 and 0.00002; 1000 Genomes Project 30x 0.00016; gnomAD 0.00001; TOPMed below 0.00001.
gnomAD v4.1: 23 of 1,608,208 alleles (0.0014%); highest among the groups gnomAD compares: Middle Eastern, 0.037%; no homozygotes.

Submissions (2):

Labcorp Genetics (formerly Invitae), Labcorp
Classification: Likely benign for Autosomal recessive limb-girdle muscular dystrophy type 2Q; Epidermolysis bullosa simplex, Ogna type; Epidermolysis bullosa simplex with nail dystrophy; Epidermolysis bullosa simplex 5C, with pyloric atresia; Epidermolysis bullosa simplex 5B, with muscular dystrophy. Last evaluated: 2025-09-15. Review status: criteria provided, single submitter. Criteria: Invitae Variant Classification Sherloc (09022015). Collection method: clinical testing. Allele origin: germline.

PreventionGenetics, part of Exact Sciences
Classification: Likely benign for PLEC-related condition. Last evaluated: 2021-03-19. Review status: no assertion criteria provided. Collection method: clinical testing. Allele origin: germline. Not counted in ClinVar's aggregate classification.
Comment: This variant is classified as likely benign based on ACMG/AMP sequence variant interpretation guidelines (Richards et al. 2015 PMID: 25741868, with internal and published modifications).

NM_201384.3(PLEC):c.7170C>T (p.Ala2390=)

Gene: PLEC (plectin; minus strand). Cytogenetic location: 8q24.3.
Variant type: single nucleotide variant.
Coding change: c.7170C>T on transcript NM_201384.3 (MANE Select); coding-DNA position 7170, C replaced by T.
Protein change: p.Ala2390=; no amino-acid change (alanine 2390 retained).
Molecular consequence: synonymous variant.
Genome position (GRCh38, 1-based): chr8:143,922,759, G>A on the plus strand (C>T on the coding strand, the complement: PLEC is on the minus strand). VCF-style: chr8-143922759-G-A. GRCh37 (hg19) VCF-style: chr8-144996927-G-A.
Other names: c.7251C>T, p.Ala2417= (NM_000445.5); c.7128C>T, p.Ala2376= (NM_201378.4); c.7104C>T, p.Ala2368= (NM_201379.3); c.7581C>T, p.Ala2527= (NM_201380.4); c.7074C>T, p.Ala2358= (NM_201381.3); c.7170C>T, p.Ala2390= (NM_201382.4); c.7182C>T, p.Ala2394= (NM_201383.3); c.7251C>T (NM_000445.4).
Identifiers: ClinVar variation 1093021 (VCV001093021.9), dbSNP rs142185486, ClinGen allele CA187613787.
Genomic context (GRCh38, chr8:143,922,759, plus strand): 5'-CGCCTGCTTCCGGAAGCGCTGGGCGTCCTCCTCAGCGCGGGCCTGGGCTCGGCTCATCTC[G>A]GCCACACGCAGCTTGAGGCGCTCAGCCTCAGCGCTCATCTCCAGCTGCCGCTGCCGCTCG-3'
Protein context (NP_958786.1, residues 2380-2400): AEAERLKLRV[Ala2390=]EMSRAQARAE